The following is an entry in ClinVar:

NM_000530.8(MPZ):c.332C>T (p.Ser111Phe)

Gene: MPZ (myelin protein zero; minus strand). Cytogenetic location: 1q23.3.
Variant type: single nucleotide variant.
Coding change: c.332C>T on transcript NM_000530.8 (MANE Select); coding-DNA position 332, C replaced by T.
Protein change: p.Ser111Phe; replaces serine 111 with phenylalanine.
Molecular consequence: missense variant.
Genome position (GRCh38, 1-based): chr1:161,306,824, G>A on the plus strand (C>T on the coding strand, the complement: MPZ is on the minus strand). VCF-style: chr1-161306824-G-A. GRCh37 (hg19) VCF-style: chr1-161276614-G-A.
Other names: c.332C>T (LRG_256t1); c.332C>T, p.Ser111Phe (NM_001315491.2); short protein forms S111F.
Identifiers: ClinVar variation 637801 (VCV000637801.4), dbSNP rs1553259663, ClinGen allele CA343349292.

ClinVar aggregate classification (germline): Conflicting classifications of pathogenicity. Review status: criteria provided, conflicting classifications (1 of 4 stars). 3 submissions from 3 submitters: Likely pathogenic (1); Uncertain significance (1). 1 of the submissions does not count toward it. Last evaluated 2024-02-28.

Conditions:
Charcot-Marie-Tooth disease. Also called: Charcot-Marie-Tooth Hereditary Neuropathy; Charcot-Marie-Tooth Neuropathy. Identifiers: Orphanet 166, MedGen C0007959, MONDO:0015626.
Charcot-Marie-Tooth disease type 1B. Also called: CHARCOT-MARIE-TOOTH DISEASE, AUTOSOMAL DOMINANT, WITH FOCALLY FOLDED MYELIN SHEATHS, TYPE 1B; CHARCOT-MARIE-TOOTH DISEASE, SLOW NERVE CONDUCTION TYPE, LINKED TO DUFFY; CHARCOT-MARIE-TOOTH NEUROPATHY, TYPE 1B; HEREDITARY MOTOR AND SENSORY NEUROPATHY I; HEREDITARY MOTOR AND SENSORY NEUROPATHY IB; PERONEAL MUSCULAR ATROPHY. Identifiers: Orphanet 101082, MedGen C0270912, MONDO:0007307, OMIM 118200.

Submissions (3):

Human Genetics Section, Sidra Medicine
Classification: Likely pathogenic for Charcot-Marie-Tooth disease type 1B. Last evaluated: 2024-02-28. Review status: criteria provided, single submitter. Criteria: ACMG Guidelines, 2015. Collection method: research. Allele origin: de novo. Affected: yes. Observed: 1 variant allele.
Comment: Non-truncating non-synonymous variant is located in a mutational hot spot and/or critical and well-established functional domain. Extremely low frequency in gnomAD population databases. This sequence change replaces serine, which is neutral and polar, with phenylalanine, which is neutral and nonpolar, at codon 111 of the MPZ protein (p.Ser111Phe). Currently available evidence indicates that the variant is likely pathogenic, but additional data are needed to prove that conclusively.

Molecular Genetics Laboratory, London Health Sciences Centre
Classification: Uncertain significance for Charcot-Marie-Tooth disease. Review status: criteria provided, single submitter. Criteria: ACMG Guidelines, 2015. Collection method: clinical testing. Allele origin: germline. Affected: yes.

Inherited Neuropathy Consortium
Classification: Uncertain significance for Charcot-Marie-Tooth disease. Review status: no assertion criteria provided. Collection method: literature only. Allele origin: germline. Affected: yes. Not counted in ClinVar's aggregate classification.

Literature cited by the submitters: PubMed 22176150 (cited by Inherited Neuropathy Consortium).